The following is an entry in ClinVar:

NM_000781.3(CYP11A1):c.653G>A (p.Arg218His)

Gene: CYP11A1 (cytochrome P450 family 11 subfamily A member 1; minus strand). Cytogenetic location: 15q24.1.
Variant type: single nucleotide variant.
Coding change: c.653G>A on transcript NM_000781.3 (MANE Select); coding-DNA position 653, G replaced by A.
Protein change: p.Arg218His; replaces arginine 218 with histidine.
Molecular consequence: missense variant.
Genome position (GRCh38, 1-based): chr15:74,343,965, C>T on the plus strand (G>A on the coding strand, the complement: CYP11A1 is on the minus strand). VCF-style: chr15-74343965-C-T. GRCh37 (hg19) VCF-style: chr15-74636306-C-T.
Other names: c.179G>A, p.Arg60His (NM_001099773.2); short protein forms R218H, R60H.
Identifiers: ClinVar variation 1316037 (VCV001316037.2), dbSNP rs748919101, ClinGen allele CA7656496.

ClinVar aggregate classification (germline): Uncertain significance (1 of 4 stars; one submission).

Allele frequency attached by ClinVar (database versions not stated): gnomAD 0.00001.
gnomAD v4.1: 6 of 1,613,942 alleles (0.00037%); highest among the groups gnomAD compares: South Asian, 0.0033%; no homozygotes.

Submission:

GeneDx
Classification: Uncertain significance. Last evaluated: 2019-12-27. Review status: criteria provided, single submitter. Criteria: GeneDx Variant Classification Process June 2021. Collection method: clinical testing. Allele origin: germline. Affected: yes.
Comment: In silico analysis, which includes protein predictors and evolutionary conservation, supports a deleterious effect; Has not been previously published as pathogenic or benign to our knowledge